The following is an entry in ClinVar:

NM_005026.5(PIK3CD):c.592G>A (p.Gly198Ser)

Gene: PIK3CD (phosphatidylinositol-4,5-bisphosphate 3-kinase catalytic subunit delta; plus strand). Cytogenetic location: 1p36.22.
Variant type: single nucleotide variant.
Coding change: c.592G>A on transcript NM_005026.5 (MANE Select); coding-DNA position 592, G replaced by A.
Protein change: p.Gly198Ser; replaces glycine 198 with serine.
Molecular consequence: missense variant.
Genome position (GRCh38, 1-based): chr1:9,716,070, G>A. VCF-style: chr1-9716070-G-A. GRCh37 (hg19) VCF-style: chr1-9776128-G-A.
Other names: c.592G>A, p.Gly198Ser (NM_001350234.2, NM_001350235.1); short protein forms G198S.
Identifiers: ClinVar variation 861361 (VCV000861361.13), dbSNP rs1647371834, ClinGen allele CA338300943.

ClinVar aggregate classification (germline): Uncertain significance (1 of 4 stars; one submission).

Conditions:
Immunodeficiency 14 (IMD14A). Also called: p110-DELTA-ACTIVATING MUTATION CAUSING SENESCENT T CELLS, LYMPHADENOPATHY, AND IMMUNODEFICIENCY; Activated PI3K Delta Syndrome Type 1 (APDS1); IMMUNODEFICIENCY 14A WITH LYMPHOPROLIFERATION, AUTOSOMAL DOMINANT; ACTIVATED PI3K-DELTA SYNDROME 1. Identifiers: Orphanet 397596, Orphanet 693661, MedGen C5907821, MONDO:0014222, OMIM 615513.

Submission:

Labcorp Genetics (formerly Invitae), Labcorp
Classification: Uncertain significance for Activated PI3K-delta syndrome. Last evaluated: 2019-12-22. Review status: criteria provided, single submitter. Criteria: Invitae Variant Classification Sherloc (09022015). Collection method: clinical testing. Allele origin: germline.
Comment: This sequence change replaces glycine with serine at codon 198 of the PIK3CD protein (p.Gly198Ser). The glycine residue is moderately conserved and there is a small physicochemical difference between glycine and serine. This variant is not present in population databases (ExAC no frequency). This variant has not been reported in the literature in individuals with PIK3CD-related conditions. Algorithms developed to predict the effect of missense changes on protein structure and function (SIFT, PolyPhen-2, Align-GVGD) all suggest that this variant is likely to be tolerated, but these predictions have not been confirmed by published functional studies and their clinical significance is uncertain. In summary, the available evidence is currently insufficient to determine the role of this variant in disease. Therefore, it has been classified as a Variant of Uncertain Significance.